The following is an entry in ClinVar:

ClinVar aggregate classification (germline): Likely benign (1 of 4 stars; one submission).

gnomAD v4.1: 55 of 1,551,438 alleles (0.0035%); highest among the groups gnomAD compares: Admixed American, 0.067%; no homozygotes.

Submission:

CeGaT Center for Human Genetics Tuebingen
Classification: Likely benign. Last evaluated: 2025-10-01. Review status: criteria provided, single submitter. Criteria: CeGaT Center For Human Genetics Tuebingen Variant Classification Criteria Version 2. Collection method: clinical testing. Allele origin: germline. Affected: yes. Observed: 1 variant allele.
Comment: LRRD1: BP4, BP7

NM_001161528.2(LRRD1):c.123C>T (p.Asn41=)

Genes: CYP51A1-AS1 (CYP51A1 antisense RNA 1; plus strand), LRRD1 (leucine rich repeats and death domain containing 1; minus strand). Cytogenetic location: 7q21.2.
Variant type: single nucleotide variant.
Coding change: c.123C>T on transcript NM_001161528.2 (MANE Select); coding-DNA position 123, C replaced by T.
Protein change: p.Asn41=; no amino-acid change (asparagine 41 retained).
Molecular consequence: synonymous variant. On other transcripts: intron variant (3).
Genome position (GRCh38, 1-based): chr7:92,165,080, G>A on the plus strand (C>T on the coding strand, the complement: LRRD1 is on the minus strand). VCF-style: chr7-92165080-G-A. GRCh37 (hg19) VCF-style: chr7-91794394-G-A.
Other names: c.-30-5877C>T (NM_001384933.1, NM_001384932.1, NM_001384934.1).
Identifiers: ClinVar variation 4534590 (VCV004534590.6).